The following is an entry in ClinVar:

ClinVar aggregate classification (germline): Conflicting classifications of pathogenicity. Review status: criteria provided, conflicting classifications (1 of 4 stars). 7 submissions from 7 submitters: Uncertain significance (3); Benign (1); Likely benign (3). Last evaluated 2026-05-24.

Conditions:
Dilated cardiomyopathy 1AA (CMD1AA). Also called: CARDIOMYOPATHY, DILATED, 1AA, WITH OR WITHOUT LEFT VENTRICULAR NONCOMPACTION; CARDIOMYOPATHY, FAMILIAL HYPERTROPHIC, 23, WITH OR WITHOUT LEFT VENTRICULAR NONCOMPACTION; Cardiomyopathy, dilated, 1AA, with or without LVNC. Identifiers: Orphanet 154, MedGen C2677338, MONDO:0012808, OMIM 612158.
Myopathy, congenital, with structured cores and z-line abnormalities. Also called: MULTIPLE STRUCTURED CORE DISEASE; CONGENITAL MYOPATHY 8. Identifiers: MedGen C5231445, MONDO:0032852, OMIM 618654.
Myopathy, distal, 6, adult-onset, autosomal dominant. Identifiers: MedGen C5203349, MONDO:0032853, OMIM 618655.
ACTN2-related disorder. Also called: ACTN2-related disorders; ACTN2 related condition.
Cardiovascular phenotype. Identifiers: MedGen CN230736.
Primary familial hypertrophic cardiomyopathy (HCM). Identifiers: Orphanet 99739, MedGen C0949658, MeSH D024741, MONDO:0024573. Inheritance: Various modes of inheritance.

Allele frequency attached by ClinVar (database versions not stated): gnomAD 0.00004 and 0.00005; gnomAD exomes 0.00004; TOPMed 0.00004; ExAC 0.00005; ESP Exome Variant Server 0.00008; 1000 Genomes Project 30x 0.00016; 1000 Genomes Project 0.00020.

Submissions (7):

PreventionGenetics, part of Exact Sciences
Classification: Likely benign for ACTN2-related condition. Last evaluated: 2026-05-24. Review status: criteria provided, single submitter. Criteria: ACMG Guidelines, 2015. Collection method: clinical testing. Allele origin: germline.
Comment: This variant is classified as likely benign based on ACMG/AMP sequence variant interpretation guidelines (Richards et al. 2015 PMID: 25741868, with internal and published modifications).

Labcorp Genetics (formerly Invitae), Labcorp
Classification: Benign for Primary familial hypertrophic cardiomyopathy; Dilated cardiomyopathy 1AA. Last evaluated: 2025-12-08. Review status: criteria provided, single submitter. Criteria: Invitae Variant Classification Sherloc (09022015). Collection method: clinical testing. Allele origin: germline.

Women's Health and Genetics/Laboratory Corporation of America, LabCorp
Classification: Likely benign. Last evaluated: 2024-10-21. Review status: criteria provided, single submitter. Criteria: LabCorp Variant Classification Summary - May 2015. Collection method: clinical testing. Allele origin: germline.
Comment: Variant summary: ACTN2 c.2602G>A (p.Ala868Thr) results in a non-conservative amino acid change located in the EF-hand, Ca insensitive domain (IPR014837) of the encoded protein sequence. Four of five in-silico tools predict a benign effect of the variant on protein function. The variant allele was found at a frequency of 4.4e-05 in 251268 control chromosomes. The observed variant frequency is approximately 1.8 fold of the estimated maximal expected allele frequency for a pathogenic variant in ACTN2 causing Cardiomyopathy phenotype (2.5e-05). c.2602G>A has been reported in the literature in at least an individual with heart failure (example: Rodriguez Garcia_2023). This report does not provide unequivocal conclusions about association of the variant with Cardiomyopathy. At least one publication reports experimental evidence evaluating an impact on protein function, however, does not allow convincing conclusions about the variant effect. The following publication have been ascertained in the context of this evaluation (PMID: 37834023). ClinVar contains an entry for this variant (Variation ID: 228435). Based on the evidence outlined above, the variant was classified as likely benign.

Ambry Genetics
Classification: Likely benign for Cardiovascular phenotype. Last evaluated: 2024-08-26. Review status: criteria provided, single submitter. Criteria: Ambry Variant Classification Scheme 2023. Collection method: clinical testing. Allele origin: germline.

Fulgent Genetics
Classification: Uncertain significance for Dilated cardiomyopathy 1AA; Myopathy, congenital, with structured cores and z-line abnormalities; Myopathy, distal, 6, adult-onset, autosomal dominant. Last evaluated: 2021-09-24. Review status: criteria provided, single submitter. Criteria: ACMG Guidelines, 2015. Collection method: clinical testing. Allele origin: unknown.

GeneDx
Classification: Uncertain significance. Last evaluated: 2020-03-26. Review status: criteria provided, single submitter. Criteria: GeneDx Variant Classification Process June 2021. Collection method: clinical testing. Allele origin: germline. Affected: yes.
Comment: In silico analysis supports that this missense variant does not alter protein structure/function

Laboratory for Molecular Medicine, Mass General Brigham Personalized Medicine
Classification: Uncertain significance. Last evaluated: 2015-05-28. Review status: criteria provided, single submitter. Criteria: LMM Criteria. Collection method: clinical testing. Allele origin: germline. Observed: 1 variant allele.
Comment: Variant classified as Uncertain Significance - Favor Benign. The p.Ala868Thr var iant in ACTN2 has not been previously reported in individuals with cardiomyopath y, but has been identified in 3/10380 African chromosomes by the Exome Aggregati on Consortium (ExAC; dbSNP rs143150260). Alanine (Ala) at position 868 is not conserved in mammals or evolutionarily distant spe cies and the change to threonine (Thr) is present in 2 mammals (bushbaby and ten rec) and in frog, suggesting this change may be tolerated. In summary, while the clinical significance of the p.Ala868Thr variant is uncertain, the presence of the variant amino acid in other mammals suggests this variant is more likely to be benign.

Literature cited by the submitters: PubMed 37834023 (cited by Women's Health and Genetics/Laboratory Corporation of America, LabCorp and Ambry Genetics); PubMed 31983221 (cited by Ambry Genetics).

NM_001103.4(ACTN2):c.2602G>A (p.Ala868Thr)

Gene: ACTN2 (actinin alpha 2; plus strand). Cytogenetic location: 1q43.
Variant type: single nucleotide variant.
Coding change: c.2602G>A on transcript NM_001103.4 (MANE Select); coding-DNA position 2602, G replaced by A.
Protein change: p.Ala868Thr; replaces alanine 868 with threonine.
Molecular consequence: missense variant.
Genome position (GRCh38, 1-based): chr1:236,762,536, G>A. VCF-style: chr1-236762536-G-A. GRCh37 (hg19) VCF-style: chr1-236925836-G-A.
Other names: c.2602G>A, p.Ala868Thr (NM_001278343.2); c.1978G>A, p.Ala660Thr (NM_001278344.2); short protein forms A868T, A660T.
Identifiers: ClinVar variation 228435 (VCV000228435.22), dbSNP rs143150260, ClinGen allele CA1473501.